The following is an entry in ClinVar:

ClinVar aggregate classification (germline): Uncertain significance. Review status: criteria provided, multiple submitters, no conflicts (2 of 4 stars). 5 submissions from 5 submitters: Uncertain significance (5). Last evaluated 2025-06-27.

Conditions:
Inborn genetic diseases. Identifiers: MedGen C0950123, MeSH D030342.
Neuropathy, hereditary motor and sensory, type 6B (HMSN6B). Also called: Neuropathy, hereditary motor and sensory, type VIB; HMSN VIB; CHARCOT-MARIE-TOOTH DISEASE, TYPE 6B; NEUROPATHY, HEREDITARY MOTOR AND SENSORY, TYPE VIB, WITH OPTIC ATROPHY. Identifiers: MedGen C4225302, MONDO:0014671, OMIM 616505.

Allele frequency attached by ClinVar (database versions not stated): gnomAD exomes 0.00002 and 0.00001; ExAC 0.00001; TOPMed 0.00002; gnomAD 0.00001.
gnomAD v4.1: 20 of 1,613,632 alleles (0.0012%); highest among the groups gnomAD compares: Admixed American, 0.0083%; no homozygotes.

Submissions (5):

Mayo Clinic Laboratories, Mayo Clinic
Classification: Uncertain significance. Last evaluated: 2025-06-27. Review status: criteria provided, single submitter. Criteria: ACMG Guidelines, 2015. Collection method: clinical testing. Allele origin: germline. Observed: 1 variant allele.
Comment: BP4_moderate, PM2_supporting

Ambry Genetics
Classification: Uncertain significance for Inborn genetic diseases. Last evaluated: 2024-12-04. Review status: criteria provided, single submitter. Criteria: Ambry Variant Classification Scheme 2023. Collection method: clinical testing. Allele origin: germline.

Blueprint Genetics
Classification: Uncertain significance. Last evaluated: 2024-11-14. Review status: criteria provided, single submitter. Criteria: ACMG Guidelines, 2015. Collection method: clinical testing. Allele origin: germline.

Labcorp Genetics (formerly Invitae), Labcorp
Classification: Uncertain significance for Neuropathy, hereditary motor and sensory, type 6B. Last evaluated: 2024-10-22. Review status: criteria provided, single submitter. Criteria: Invitae Variant Classification Sherloc (09022015). Collection method: clinical testing. Allele origin: germline.
Comment: This sequence change replaces threonine, which is neutral and polar, with asparagine, which is neutral and polar, at codon 303 of the SLC25A46 protein (p.Thr303Asn). This variant is present in population databases (rs754372484, gnomAD 0.009%). This variant has not been reported in the literature in individuals affected with SLC25A46-related conditions. ClinVar contains an entry for this variant (Variation ID: 971923). Invitae Evidence Modeling of protein sequence and biophysical properties (such as structural, functional, and spatial information, amino acid conservation, physicochemical variation, residue mobility, and thermodynamic stability) indicates that this missense variant is not expected to disrupt SLC25A46 protein function with a negative predictive value of 80%. In summary, the available evidence is currently insufficient to determine the role of this variant in disease. Therefore, it has been classified as a Variant of Uncertain Significance.

Breakthrough Genomics
Classification: Uncertain significance. Review status: criteria provided, single submitter. Criteria: ACMG Guidelines, 2015. Collection method: not provided. Allele origin: germline. Inheritance: Autosomal recessive inheritance. Affected: yes.

NM_138773.4(SLC25A46):c.908C>A (p.Thr303Asn)

Gene: SLC25A46 (solute carrier family 25 member 46; plus strand). Cytogenetic location: 5q22.1.
Variant type: single nucleotide variant.
Coding change: c.908C>A on transcript NM_138773.4 (MANE Select); coding-DNA position 908, C replaced by A.
Protein change: p.Thr303Asn; replaces threonine 303 with asparagine.
Molecular consequence: missense variant. On other transcripts: non-coding transcript variant (1), intron variant (1).
Genome position (GRCh38, 1-based): chr5:110,761,433, C>A. VCF-style: chr5-110761433-C-A. GRCh37 (hg19) VCF-style: chr5-110097133-C-A.
Other names: p.Thr303Asn; c.635C>A, p.Thr212Asn (NM_001303250.3); c.679-14C>A (NM_001303249.3); c.908C>A (NM_138773.1); short protein forms T212N, T303N.
Identifiers: ClinVar variation 971923 (VCV000971923.9), dbSNP rs754372484, ClinGen allele CA3364772.